The following is an entry in ClinVar:

NM_000283.4(PDE6B):c.946G>A (p.Val316Met)

Genes: PDE6B (phosphodiesterase 6B; plus strand), PDE6B-AS1 (PDE6B antisense RNA 1; minus strand). Cytogenetic location: 4p16.3.
Variant type: single nucleotide variant.
Coding change: c.946G>A on transcript NM_000283.4 (MANE Select); coding-DNA position 946, G replaced by A.
Protein change: p.Val316Met; replaces valine 316 with methionine.
Molecular consequence: missense variant. On other transcripts: 5 prime UTR variant (1).
Genome position (GRCh38, 1-based): chr4:654,842, G>A. VCF-style: chr4-654842-G-A. GRCh37 (hg19) VCF-style: chr4-648631-G-A.
Other names: c.946G>A, p.Val316Met (NM_001145291.2); c.109G>A, p.Val37Met (NM_001145292.2, NM_001350154.3, NM_001379246.1 and 1 more transcripts); c.-95G>A (NM_001350155.3); short protein forms V316M, V37M.
Identifiers: ClinVar variation 1803155 (VCV001803155.11), dbSNP rs200694314, ClinGen allele CA2794234.

ClinVar aggregate classification (germline): Uncertain significance. Review status: criteria provided, multiple submitters, no conflicts (2 of 4 stars). 5 submissions from 5 submitters: Uncertain significance (5). Last evaluated 2025-09-29.

Conditions:
PDE6B-related disorder. Also called: PDE6B-related disorders; PDE6B-related disease; PDE6B-related condition.
Retinitis pigmentosa 40 (RP40). Identifiers: Orphanet 791, MedGen C3151107, MONDO:0013429, OMIM 613801.
Inborn genetic diseases. Identifiers: MedGen C0950123, MeSH D030342.

Allele frequency attached by ClinVar (database versions not stated): ExAC 0.00003; gnomAD 0.00004; TOPMed 0.00005; ESP Exome Variant Server 0.00008; 1000 Genomes Project 0.00020; 1000 Genomes Project 30x 0.00031.
gnomAD v4.1: 108 of 1,573,238 alleles (0.0069%); highest among the groups gnomAD compares: Middle Eastern, 0.017%; no homozygotes.

Submissions (5):

Ambry Genetics
Classification: Uncertain significance for Inborn genetic diseases. Last evaluated: 2025-09-29. Review status: criteria provided, single submitter. Criteria: Ambry Variant Classification Scheme 2023. Collection method: clinical testing. Allele origin: germline.

PreventionGenetics, part of Exact Sciences
Classification: Uncertain significance for PDE6B-related condition. Last evaluated: 2025-09-22. Review status: criteria provided, single submitter. Criteria: ACMG Guidelines, 2015. Collection method: clinical testing. Allele origin: germline.
Comment: The PDE6B c.946G>A variant is predicted to result in the amino acid substitution p.Val316Met. To our knowledge, this variant has not been reported in the literature. This variant is present in 0.0071% of alleles in individuals of European (Non-Finnish) descent in gnomAD. At this time, the clinical significance of this variant is uncertain due to the absence of conclusive functional and genetic evidence.

Labcorp Genetics (formerly Invitae), Labcorp
Classification: Uncertain significance. Last evaluated: 2024-11-05. Review status: criteria provided, single submitter. Criteria: Invitae Variant Classification Sherloc (09022015). Collection method: clinical testing. Allele origin: germline.
Comment: This sequence change replaces valine, which is neutral and non-polar, with methionine, which is neutral and non-polar, at codon 316 of the PDE6B protein (p.Val316Met). This variant is present in population databases (rs200694314, gnomAD 0.006%). This variant has not been reported in the literature in individuals affected with PDE6B-related conditions. ClinVar contains an entry for this variant (Variation ID: 1803155). Invitae Evidence Modeling of protein sequence and biophysical properties (such as structural, functional, and spatial information, amino acid conservation, physicochemical variation, residue mobility, and thermodynamic stability) has been performed for this missense variant. However, the output from this modeling did not meet the statistical confidence thresholds required to predict the impact of this variant on PDE6B protein function. In summary, the available evidence is currently insufficient to determine the role of this variant in disease. Therefore, it has been classified as a Variant of Uncertain Significance.

Blueprint Genetics
Classification: Uncertain significance. Last evaluated: 2024-08-12. Review status: criteria provided, single submitter. Criteria: ACMG Guidelines, 2015. Collection method: clinical testing. Allele origin: germline.

Genetics and Molecular Pathology, SA Pathology
Classification: Uncertain significance for Retinitis pigmentosa 40. Last evaluated: 2021-05-21. Review status: criteria provided, single submitter. Criteria: ACMG Guidelines, 2015. Collection method: clinical testing. Allele origin: germline. Affected: yes.